The following is an entry in ClinVar:

NM_001199138.2(NLRC4):c.2522-86_2522-85insG

Gene: NLRC4 (NLR family CARD domain containing 4; minus strand). Cytogenetic location: 2p22.3.
Variant type: Insertion.
Coding change: c.2522-86_2522-85insG on transcript NM_001199138.2 (MANE Select); 86 bases into the intron before coding-DNA position 2522 through 85 bases into the intron before coding-DNA position 2522, G inserted.
Molecular consequence: intron variant.
Genome position: GRCh38 VCF-style: chr2-32236424-T-TC. GRCh37 (hg19) VCF-style: chr2-32461493-T-TC.
Other names: c.2522-86_2522-85insG (NM_001199139.1, NM_021209.4); c.527-86_527-85insG (NM_001302504.1).
Identifiers: ClinVar variation 1278429 (VCV001278429.3), dbSNP rs55638726, ClinGen allele CA44808598.

ClinVar aggregate classification (germline): Benign. Review status: criteria provided, multiple submitters, no conflicts (2 of 4 stars). 2 submissions from 2 submitters: Benign (2). Last evaluated 2023-11-12.

Allele frequency attached by ClinVar (database versions not stated): gnomAD exomes 0.97548; 1000 Genomes Project 30x 0.99079; TOPMed 0.98036.

Submissions (2):

Unidad de Genómica Garrahan, Hospital de Pediatría Garrahan
Classification: Benign. Last evaluated: 2023-11-12. Review status: criteria provided, single submitter. Criteria: ACMG Guidelines, 2015. Collection method: clinical testing. Allele origin: germline. Affected: no. Observed: 21 variant alleles.
Comment: This variant is classified as Benign based on local population frequency. This variant was detected in 22% of patients studied by a panel of primary immunodeficiencies. Number of patients: 21. Only high quality variants are reported.

GeneDx
Classification: Benign. Last evaluated: 2021-05-13. Review status: criteria provided, single submitter. Criteria: GeneDx Variant Classification Process June 2021. Collection method: clinical testing. Allele origin: germline. Affected: yes.